The following is an entry in ClinVar:

NM_007294.4(BRCA1):c.4689C>G (p.Tyr1563Ter)

Gene: BRCA1 (BRCA1 DNA repair associated; minus strand). Cytogenetic location: 17q21.31.
Variant type: single nucleotide variant.
Coding change: c.4689C>G on transcript NM_007294.4 (MANE Select); coding-DNA position 4689, C replaced by G.
Protein change: p.Tyr1563Ter; replaces tyrosine 1563 with a stop codon.
Molecular consequence: nonsense. On other transcripts: non-coding transcript variant (1).
Genome position (GRCh38, 1-based): chr17:43,071,225, G>C on the plus strand (C>G on the coding strand, the complement: BRCA1 is on the minus strand). VCF-style: chr17-43071225-G-C. GRCh37 (hg19) VCF-style: chr17-41223242-G-C.
Other names: p.Y1563*:TAC>TAG; 4808C>G; c.4476C>G, p.Tyr1492Ter (NM_001407571.1, NM_001407895.1, NM_001407896.1 and 12 more transcripts); c.4755C>G, p.Tyr1585Ter (NM_001407581.1, NM_001407582.1); c.4752C>G, p.Tyr1584Ter (NM_001407583.1, NM_001407585.1, NM_001407587.1 and 1 more transcripts); c.4749C>G, p.Tyr1583Ter (NM_001407590.1, NM_001407591.1); c.4689C>G, p.Tyr1563Ter (NM_001407593.1, NM_001407594.1, NM_001407596.1 and 8 more transcripts); c.4686C>G, p.Tyr1562Ter (NM_001407610.1, NM_001407611.1, NM_001407612.1 and 17 more transcripts); and 72 more; short protein forms Y1563*, Y1584*, Y1516*, Y459*, Y1267*, Y1434*, Y1450*, Y1451*.
Identifiers: ClinVar variation 37607 (VCV000037607.127), dbSNP rs80357433, ClinGen allele CA002979.

ClinVar aggregate classification (germline): Pathogenic. Review status: reviewed by expert panel (3 of 4 stars). 47 submissions from 46 submitters: Pathogenic (1). 46 of the submissions do not count toward it. Last evaluated 2016-04-22.

Conditions:
BRCA1-related disorder. Also called: BRCA1-related condition.
BRCA1-related cancer predisposition. Identifiers: MedGen CN377757, MONDO:0700268.
Inherited breast cancer and ovarian cancer.
Hereditary cancer-predisposing syndrome. Also called: Neoplastic Syndromes, Hereditary; Hereditary neoplastic syndrome; Hereditary Cancer Syndrome; Tumor predisposition. Identifiers: Orphanet 140162, MedGen C0027672, MeSH D009386, MONDO:0015356.
Hereditary breast ovarian cancer syndrome. Also called: Hereditary breast and ovarian cancer syndrome (HBOC); Breast and ovarian cancer; BRCA1- and BRCA2-Associated Hereditary Breast and Ovarian Cancer; Hereditary breast and ovarian cancer syndrome; Hereditary breast and ovarian cancer; Hereditary breast and/or ovarian cancer syndrome. Identifiers: Orphanet 145, MedGen C0677776, MeSH D061325, MONDO:0003582. Disease mechanism: loss of function.
Ovarian neoplasm. Also called: Ovarian Neoplasms; Ovarian tumor; Neoplasm of ovary. Identifiers: MedGen C0919267, MeSH D010051, MONDO:0021068, HP:0100615.
Breast-ovarian cancer, familial, susceptibility to, 1 (BROVCA1). Also called: BRCA1 Hereditary Breast and Ovarian Cancer; OVARIAN CANCER, SUSCEPTIBILITY TO. Identifiers: Orphanet 145, MedGen C2676676, MONDO:0011450, OMIM 604370. Disease mechanism: loss of function.
Familial cancer of breast. Also called: Hereditary breast cancer; hereditary breast carcinoma; BREAST CANCER, FAMILIAL. Identifiers: Orphanet 227535, MedGen C0346153, MONDO:0016419, OMIM 114480. Disease mechanism: loss of function.

Allele frequency attached by ClinVar (database versions not stated): gnomAD exomes below 0.00001; TOPMed 0.00001; gnomAD 0.00001.
gnomAD v4.1: 5 of 1,614,030 alleles (0.00031%); highest among the groups gnomAD compares: Non-Finnish European, 0.00042%; no homozygotes.

Submissions 1 to 11 of 47:

Evidence-based Network for the Interpretation of Germline Mutant Alleles (ENIGMA)
Classification: Pathogenic for Breast-ovarian cancer, familial, susceptibility to, 1. Last evaluated: 2016-04-22. Review status: reviewed by expert panel. Criteria: ENIGMA BRCA1/2 Classification Criteria (2015). Collection method: curation. Allele origin: germline.
Comment: Variant allele predicted to encode a truncated non-functional protein.

Institute of Human Genetics, University of Leipzig Medical Center
Classification: Pathogenic for Breast-ovarian cancer, familial, susceptibility to, 1. Last evaluated: 2026-08-25. Review status: criteria provided, single submitter. Criteria: ACMG Guidelines, 2015. Collection method: clinical testing. Allele origin: maternal. Inheritance: Autosomal dominant inheritance. Affected: yes. Not counted in ClinVar's aggregate classification.
Comment: Criteria applied: PVS1,PP4_VSTR,PM5_STR

Genetics Laboratory, Great Ormond Street Hospital NHS Foundation Trust, North Thames Genomic Laboratory Hub
Classification: Pathogenic for Inherited breast cancer and ovarian cancer. Last evaluated: 2026-08-17. Review status: criteria provided, single submitter. Criteria: CanVIG BRCA Gene Specific V1.22. Collection method: clinical testing. Allele origin: germline. Affected: yes. Not counted in ClinVar's aggregate classification.
Comment: PS4_very-strong, PM2_supporting, PVS1_very-strong, PM5_strong, PP4_very-strong

CeGaT Center for Human Genetics Tuebingen
Classification: Pathogenic. Last evaluated: 2026-07-01. Review status: criteria provided, single submitter. Criteria: CeGaT Center For Human Genetics Tuebingen Variant Classification Criteria Version 2. Collection method: clinical testing. Allele origin: germline. Affected: yes. Observed: 7 variant alleles. Not counted in ClinVar's aggregate classification.
Comment: BRCA1: PVS1, PM2, PS4:Moderate

Labcorp Genetics (formerly Invitae), Labcorp
Classification: Pathogenic for Hereditary breast ovarian cancer syndrome. Last evaluated: 2026-01-10. Review status: criteria provided, single submitter. Criteria: Invitae Variant Classification Sherloc (09022015). Collection method: clinical testing. Allele origin: germline. Not counted in ClinVar's aggregate classification.
Comment: This sequence change creates a premature translational stop signal (p.Tyr1563*) in the BRCA1 gene. It is expected to result in an absent or disrupted protein product. Loss-of-function variants in BRCA1 are known to be pathogenic (PMID: 20104584). This variant is present in population databases (rs80357433, gnomAD 0.002%). This premature translational stop signal has been observed in individual(s) with hereditary breast and ovarian cancer (PMID: 8554067, 20727672, 23110154, 25066507, 27167707). It has also been observed to segregate with disease in related individuals. This variant is also known as 4808C>G. ClinVar contains an entry for this variant (Variation ID: 37607). For these reasons, this variant has been classified as Pathogenic.

Dasa
Classification: Pathogenic. Last evaluated: 2025-12-01. Review status: criteria provided, single submitter. Criteria: DASA Assertion Criteria. Collection method: clinical testing. Allele origin: germline. Not counted in ClinVar's aggregate classification.
Comment: NM_007294.4(BRCA1):c.4689C>G (p.Tyr1563Ter) introduces a premature termination codon predicted to result in loss of normal protein function. Loss-of-function is an established mechanism of disease for this gene. The variant is present at low frequency in population datasets. Based on the available data, this variant is classified as pathogenic.

Molecular Pathology, Peter Maccallum Cancer Centre
Classification: Pathogenic for Breast-ovarian cancer, familial, susceptibility to, 1. Last evaluated: 2025-05-23. Review status: criteria provided, single submitter. Criteria: ACMG Guidelines, 2015. Collection method: clinical testing. Allele origin: germline. Inheritance: Autosomal dominant inheritance. Not counted in ClinVar's aggregate classification.

Center for Genomic Medicine, Rigshospitalet, Copenhagen University Hospital
Classification: Pathogenic. Last evaluated: 2025-03-04. Review status: criteria provided, single submitter. Criteria: ACMG Guidelines, 2015. Collection method: clinical testing. Allele origin: germline. Not counted in ClinVar's aggregate classification.

PreventionGenetics, part of Exact Sciences
Classification: Pathogenic for BRCA1-related condition. Last evaluated: 2025-01-17. Review status: criteria provided, single submitter. Criteria: ACMG Guidelines, 2015. Collection method: clinical testing. Allele origin: germline. Not counted in ClinVar's aggregate classification.
Comment: The BRCA1 c.4689C>G variant is predicted to result in premature protein termination (p.Tyr1563*). This variant, also known as c.4808C>G by legacy nomenclature, has previously been observed in individuals with a personal or family history of hereditary breast and ovarian cancer (see for example Serova et al. 1996. PubMed ID: 8554067; Pern et al. 2012. PubMed ID: 23110154; Koczkowska et al. 2016. PubMed ID: 27167707; Janavičius et al. 2014. PubMed ID: 25066507). This variant is reported in 0.00088% of alleles in individuals of European (Non-Finnish) descent in gnomAD and is classified as pathogenic in the ClinVar database. Nonsense variants in BRCA1 are expected to be pathogenic. This variant is interpreted as pathogenic.

Quest Diagnostics Nichols Institute San Juan Capistrano
Classification: Pathogenic. Last evaluated: 2024-12-11. Review status: criteria provided, single submitter. Criteria: Quest Diagnostics criteria. Collection method: clinical testing. Allele origin: unknown. Not counted in ClinVar's aggregate classification.
Comment: The BRCA1 c.4689C>G (p.Tyr1563*) variant causes the premature termination of BRCA1 protein synthesis. This variant has been reported in the published literature in multiple individuals with breast cancer (PMIDs: 38355628 (2024), 34680878 (2021), 23110154 (2012)), including in a large scale breast cancer association study (PMID: 33471991 (2021), see also LOVD), as well as in multiple individuals with ovarian cancer (PMIDs: 38355628 (2024), 36367610 (2023)), and pancreatic cancer (PMIDs: 38201484 (2023), 33439686 (2021)). The frequency of this variant in the general population (Genome Aggregation Database) is consistent with pathogenicity. Based on the available information, this variant is classified as pathogenic.

Ambry Genetics
Classification: Pathogenic for Hereditary cancer-predisposing syndrome. Last evaluated: 2024-11-29. Review status: criteria provided, single submitter. Criteria: Ambry Variant Classification Scheme 2023. Collection method: clinical testing. Allele origin: germline. Not counted in ClinVar's aggregate classification.
Comment: The p.Y1563* pathogenic mutation (also known as c.4689C>G), located in coding exon 14 of the BRCA1 gene, results from a C to G substitution at nucleotide position 4689. This changes the amino acid from a tyrosine to a stop codon within coding exon 14. This mutation has been detected in multiple hereditary breast and ovarian cancer (HBOC) syndrome families (Serova O et al. Am. J. Hum. Genet. 1996 Jan;58:42-51; Iyevleva AG et al. Cancer Lett. 2010 Dec;298:258-63; Schneegans S et al. Fam. Cancer. 2012 Jun;11:181-8; Lecarpentier J et al. Breast Cancer Res. 2012 Jul;14:R99; Pern F et al. PLoS One. 2012;7:e47993; Rebbeck TR et al. Hum. Mutat., 2018 May;39:593-620), and a history weighing algorithm classified it as pathogenic (Pruss D et al. Breast Cancer Res. Treat., 2014 Aug;147:119-32). One study demonstrated that this mutation triggers nonsense mediated decay (NMD) and results in less than half the amount of BRCA1 mRNA compared to wild-type (Perrin-Vidoz L et al. Hum. Mol. Genet. 2002 Nov;11:2805-14). Of note, this alteration is also designated as 4808C>G in published literature. In addition to the clinical data presented in the literature, this alteration is expected to result in loss of function by premature protein truncation or nonsense-mediated mRNA decay. As such, this alteration is interpreted as a disease-causing mutation.